The following is an entry in ClinVar:

ClinVar aggregate classification (germline): Pathogenic (1 of 4 stars; one submission).

Submission:

CeGaT Center for Human Genetics Tuebingen
Classification: Pathogenic. Last evaluated: 2026-01-01. Review status: criteria provided, single submitter. Criteria: CeGaT Center For Human Genetics Tuebingen Variant Classification Criteria Version 2. Collection method: clinical testing. Allele origin: germline. Affected: yes. Observed: 1 variant allele.
Comment: PHKA1: PVS1, PM2

NM_002637.4(PHKA1):c.2695_2696delinsCACACAGTCATATGCATAC (p.Val899fs)

Gene: PHKA1 (phosphorylase kinase regulatory subunit alpha 1; minus strand). Cytogenetic location: Xq13.1.
Variant type: Indel.
Coding change: c.2695_2696delinsCACACAGTCATATGCATAC on transcript NM_002637.4 (MANE Select); coding-DNA positions 2695 to 2696, GT replaced by CACACAGTCATATGCATAC.
Protein change: p.Val899fs; shifts the reading frame from valine 899.
Molecular consequence: frameshift variant.
Genome position (GRCh38, 1-based): chrX:72,605,390-72,605,391, AC replaced by GTATGCATATGACTGTGTG on the plus strand (GT replaced by CACACAGTCATATGCATAC on the coding strand, the reverse complement: PHKA1 is on the minus strand). VCF-style: chrX-72605390-AC-GTATGCATATGACTGTGTG. GRCh37 (hg19) VCF-style: chrX-71825240-AC-GTATGCATATGACTGTGTG.
Other names: c.2695_2696delinsCACACAGTCATATGCATAC, p.Val899fs (NM_001122670.2, NM_001431068.1, NM_001440787.1); c.2518_2519delinsCACACAGTCATATGCATAC, p.Val840fs (NM_001172436.2, NM_001440788.1); short protein forms V840fs, V899fs.
Identifiers: ClinVar variation 4823830 (VCV004823830.4).
Genomic context (GRCh38, chrX:72,605,390, plus strand): 5'-CGAAGTCGAAACATTTCAGCAAAGAGGCCAGGCTGGGTTCGCATATACATGGCTAGATAT[AC>GTATGCATATGACTGTGTG]CATTATTTCCTGCACACAGAGTAGATATAGACAAAAATAATGGCCTAGGTCTCACAATGC-3'